The following is an entry in ClinVar:

NM_005751.5(AKAP9):c.3361T>A (p.Ser1121Thr)

Gene: AKAP9 (A-kinase anchoring protein 9; plus strand). Cytogenetic location: 7q21.2.
Variant type: single nucleotide variant.
Coding change: c.3361T>A on transcript NM_005751.5 (MANE Select); coding-DNA position 3361, T replaced by A.
Protein change: p.Ser1121Thr; replaces serine 1121 with threonine.
Molecular consequence: missense variant.
Genome position (GRCh38, 1-based): chr7:92,012,471, T>A. VCF-style: chr7-92012471-T-A. GRCh37 (hg19) VCF-style: chr7-91641785-T-A.
Other names: c.3361T>A, p.Ser1121Thr (NM_147185.3); short protein forms S1121T.
Identifiers: ClinVar variation 4613381 (VCV004613381.1).

ClinVar aggregate classification (germline): Uncertain significance (1 of 4 stars; one submission).

Conditions:
Cardiovascular phenotype. Identifiers: MedGen CN230736.

Submission:

Ambry Genetics
Classification: Uncertain significance for Cardiovascular phenotype. Last evaluated: 2025-09-21. Review status: criteria provided, single submitter. Criteria: Ambry Variant Classification Scheme 2023. Collection method: clinical testing. Allele origin: germline.
Comment: The p.S1121T variant (also known as c.3361T>A), located in coding exon 9 of the AKAP9 gene, results from a T to A substitution at nucleotide position 3361. The serine at codon 1121 is replaced by threonine, an amino acid with similar properties. This amino acid position is conserved. In addition, this alteration is predicted to be tolerated by in silico analysis. Based on the available evidence, the clinical significance of this variant remains unclear.